The following is an entry in ClinVar:

NM_001348323.3(TRIP12):c.4626G>A (p.Pro1542=)

Gene: TRIP12 (thyroid hormone receptor interactor 12; minus strand). Cytogenetic location: 2q36.3.
Variant type: single nucleotide variant.
Coding change: c.4626G>A on transcript NM_001348323.3 (MANE Select); coding-DNA position 4626, G replaced by A.
Protein change: p.Pro1542=; no amino-acid change (proline 1542 retained).
Molecular consequence: synonymous variant.
Genome position (GRCh38, 1-based): chr2:229,789,680, C>T on the plus strand (G>A on the coding strand, the complement: TRIP12 is on the minus strand). VCF-style: chr2-229789680-C-T. GRCh37 (hg19) VCF-style: chr2-230654396-C-T.
Other names: c.4545G>A, p.Pro1515= (NM_001284214.2, NM_001348315.2); c.4500G>A, p.Pro1500= (NM_001284215.2, NM_001348316.2); c.3591G>A, p.Pro1197= (NM_001284216.2); c.4485G>A, p.Pro1495= (NM_001348317.1, NM_001348318.2); c.4611G>A, p.Pro1537= (NM_001348319.1, NM_001348320.2); c.4614G>A, p.Pro1538= (NM_001348321.1); c.4626G>A, p.Pro1542= (NM_001348322.1, NM_001348324.2, NM_001348325.2 and 2 more transcripts); c.4629G>A, p.Pro1543= (NM_001348328.1, NM_001348329.2, NM_001348330.2); and 4 more.
Identifiers: ClinVar variation 2651977 (VCV002651977.24), dbSNP rs146874504, ClinGen allele CA2152489.
Genomic context (GRCh38, chr2:229,789,680, plus strand): 5'-GTAATACCAGTATCGACTGATAGCATGTAAAACTCTTAAAAGAAGGATCACATCTAATGA[C>T]GGGTCTTCAAATGTTATATTTTCAGGTGGTGTGGGAATGAGGTAAACTTCTAAAGGATTT-3'
Protein context (NP_001335252.1, residues 1532-1552): TPPENITFED[Pro1542=]SLDVILLLRV

ClinVar aggregate classification (germline): Likely benign (1 of 4 stars; one submission).

Allele frequency attached by ClinVar (database versions not stated): gnomAD 0.00035; ESP Exome Variant Server 0.00038; ExAC 0.00044; TOPMed 0.00048.
gnomAD v4.1: 1,285 of 1,613,872 alleles (0.08%); highest among the groups gnomAD compares: Non-Finnish European, 0.1%; no homozygotes.

Submission:

CeGaT Center for Human Genetics Tuebingen
Classification: Likely benign. Last evaluated: 2026-02-01. Review status: criteria provided, single submitter. Criteria: CeGaT Center For Human Genetics Tuebingen Variant Classification Criteria Version 2. Collection method: clinical testing. Allele origin: germline. Affected: yes. Observed: 4 variant alleles.
Comment: TRIP12: BP4, BP7